The following is an entry in ClinVar:

NM_001190274.2(FBXO11):c.347A>G (p.Lys116Arg)

Gene: FBXO11 (F-box protein 11; minus strand). Cytogenetic location: 2p16.3.
Variant type: single nucleotide variant.
Coding change: c.347A>G on transcript NM_001190274.2 (MANE Select); coding-DNA position 347, A replaced by G.
Protein change: p.Lys116Arg; replaces lysine 116 with arginine.
Molecular consequence: missense variant.
Genome position (GRCh38, 1-based): chr2:47,839,655, T>C on the plus strand (A>G on the coding strand, the complement: FBXO11 is on the minus strand). VCF-style: chr2-47839655-T-C. GRCh37 (hg19) VCF-style: chr2-48066794-T-C.
Other names: c.95A>G, p.Lys32Arg (NM_001374325.1, NM_025133.4); short protein forms K32R, K116R.
Identifiers: ClinVar variation 1347340 (VCV001347340.8), dbSNP rs1376738009, ClinGen allele CA346813572.

ClinVar aggregate classification (germline): Uncertain significance (1 of 4 stars; one submission).

Allele frequency attached by ClinVar (database versions not stated): gnomAD exomes below 0.00001 and 0.00001.
gnomAD v4.1: 3 of 1,614,138 alleles (0.00019%); highest among the groups gnomAD compares: Non-Finnish European, 0.000085%; no homozygotes.

Submission:

Labcorp Genetics (formerly Invitae), Labcorp
Classification: Uncertain significance. Last evaluated: 2022-07-05. Review status: criteria provided, single submitter. Criteria: Invitae Variant Classification Sherloc (09022015). Collection method: clinical testing. Allele origin: germline.
Comment: In summary, the available evidence is currently insufficient to determine the role of this variant in disease. Therefore, it has been classified as a Variant of Uncertain Significance. Algorithms developed to predict the effect of sequence changes on RNA splicing suggest that this variant may create or strengthen a splice site. Algorithms developed to predict the effect of missense changes on protein structure and function (SIFT, PolyPhen-2, Align-GVGD) all suggest that this variant is likely to be tolerated. ClinVar contains an entry for this variant (Variation ID: 1347340). This variant has not been reported in the literature in individuals affected with FBXO11-related conditions. This variant is present in population databases (no rsID available, gnomAD 0.0009%). This sequence change replaces lysine, which is basic and polar, with arginine, which is basic and polar, at codon 116 of the FBXO11 protein (p.Lys116Arg).